The following is an entry in ClinVar:

ClinVar aggregate classification (germline): Benign (1 of 4 stars; one submission).

Conditions:
Oligodontia-cancer predisposition syndrome. Also called: TOOTH AGENESIS-COLORECTAL CANCER SYNDROME. Identifiers: Orphanet 300576, MedGen C1837750, MONDO:0012075, OMIM 608615. Disease mechanism: loss of function.

Submission:

Myriad Genetics, Inc.
Classification: Benign for Oligodontia-cancer predisposition syndrome. Last evaluated: 2024-09-25. Review status: criteria provided, single submitter. Criteria: Myriad Autosomal Dominant, Autosomal Recessive and X-Linked Classification Criteria (2023). Collection method: clinical testing. Allele origin: unknown.
Comment: This variant is considered benign. This variant occurs in the non-coding 3' untranslated region of the gene, and is not expected to impact protein function.

NM_004655.4(AXIN2):c.*8G>C

Gene: AXIN2 (axin 2; minus strand). Cytogenetic location: 17q24.1.
Variant type: single nucleotide variant.
Coding change: c.*8G>C on transcript NM_004655.4 (MANE Select); 8 bases downstream of the stop codon, G replaced by C.
Molecular consequence: 3 prime UTR variant.
Genome position (GRCh38, 1-based): chr17:65,529,968, C>G on the plus strand (G>C on the coding strand, the complement: AXIN2 is on the minus strand). VCF-style: chr17-65529968-C-G. GRCh37 (hg19) VCF-style: chr17-63526086-C-G.
Other names: c.*8G>C (NM_001363813.1).
Identifiers: ClinVar variation 3378969 (VCV003378969.1).